The following is an entry in ClinVar:

NM_001330260.2(SCN8A):c.1135-48C>T

Gene: SCN8A (sodium voltage-gated channel alpha subunit 8; plus strand). Cytogenetic location: 12q13.13.
Variant type: single nucleotide variant.
Coding change: c.1135-48C>T on transcript NM_001330260.2 (MANE Select); 48 bases into the intron before coding-DNA position 1135, C replaced by T.
Molecular consequence: intron variant.
Genome position (GRCh38, 1-based): chr12:51,705,369, C>T. VCF-style: chr12-51705369-C-T. GRCh37 (hg19) VCF-style: chr12-52099153-C-T.
Other names: c.1135-48C>T (NM_014191.4, NM_001177984.3, NM_001369788.1).
Identifiers: ClinVar variation 670686 (VCV000670686.6), dbSNP rs2291265, ClinGen allele CA6571215.
Genomic context (GRCh38, chr12:51,705,369, plus strand): 5'-CTGTACAAAATGCAAATAGTGCCCTTACAGAGGAACTTGGCCCATTAGCTGTTTTCAGCC[C>T]GGTTCATTTGGTACAAGTGACTCAGAAAATGGCCTTTGTCTTTGCAGACTTTACGAGCAG-3'

ClinVar aggregate classification (germline): Benign. Review status: criteria provided, multiple submitters, no conflicts (2 of 4 stars). 7 submissions from 4 submitters: Benign (7). Last evaluated 2024-07-15.

Conditions:
Cognitive impairment with or without cerebellar ataxia (CIAT). Identifiers: MedGen C3280415, MONDO:0013680, OMIM 614306.
Seizures, benign familial infantile, 5 (BFIS5). Also called: CONVULSIONS, BENIGN FAMILIAL INFANTILE, 5. Identifiers: Orphanet 306, MedGen C4310728, MONDO:0014903, OMIM 617080.
Myoclonus, familial, 2. Identifiers: MedGen C5193056, MONDO:0100092, OMIM 618364.
Developmental and epileptic encephalopathy, 13 (DEE13). Also called: SCN8A-Related Epilepsy; Developmental and Epileptic Encephalopathy (SCN8A-DEE); Early infantile epileptic encephalopathy 13. Identifiers: Orphanet 442835, MedGen C3281191, MONDO:0013801, OMIM 614558.

Allele frequency attached by ClinVar (database versions not stated): TOPMed 0.77538; ESP Exome Variant Server 0.77958; ExAC 0.81414; gnomAD 0.78136 and 0.78368; gnomAD exomes 0.82399; 1000 Genomes Project 30x 0.71674; 1000 Genomes Project 0.72384.
gnomAD v4.1: 1,339,931 of 1,585,148 alleles (85%); highest among the groups gnomAD compares: East Asian, 91%; 573,601 homozygotes.

Submissions (7):

Unidad de Genómica Garrahan, Hospital de Pediatría Garrahan
Classification: Benign. Last evaluated: 2024-07-15. Review status: criteria provided, single submitter. Criteria: ACMG Guidelines, 2015. Collection method: clinical testing. Allele origin: germline. Affected: no. Observed: 69 variant alleles.
Comment: This variant is classified as Benign based on local population frequency. This variant was detected in 74% of patients studied in a panel designed for Epileptic and Developmental Encephalopathy and Progressive Myoclonus Epilepsy. Number of patients: 69. Only high quality variants are reported.

Genome-Nilou Lab
Classification: Benign for Myoclonus, familial, 2. Last evaluated: 2021-07-15. Review status: criteria provided, single submitter. Criteria: ACMG Guidelines, 2015. Collection method: clinical testing. Allele origin: germline. Affected: no.

Genome-Nilou Lab
Classification: Benign for Cognitive impairment with or without cerebellar ataxia. Last evaluated: 2021-07-15. Review status: criteria provided, single submitter. Criteria: ACMG Guidelines, 2015. Collection method: clinical testing. Allele origin: germline. Affected: no.

Genome-Nilou Lab
Classification: Benign for Developmental and epileptic encephalopathy, 13. Last evaluated: 2021-07-15. Review status: criteria provided, single submitter. Criteria: ACMG Guidelines, 2015. Collection method: clinical testing. Allele origin: germline. Affected: no.

Genome-Nilou Lab
Classification: Benign for Seizures, benign familial infantile, 5. Last evaluated: 2021-07-15. Review status: criteria provided, single submitter. Criteria: ACMG Guidelines, 2015. Collection method: clinical testing. Allele origin: germline. Affected: no.

GeneDx
Classification: Benign. Last evaluated: 2018-06-14. Review status: criteria provided, single submitter. Criteria: GeneDx Variant Classification (06012015). Collection method: clinical testing. Allele origin: germline. Affected: yes.
Comment: This variant is considered likely benign or benign based on one or more of the following criteria: it is a conservative change, it occurs at a poorly conserved position in the protein, it is predicted to be benign by multiple in silico algorithms, and/or has population frequency not consistent with disease.

Breakthrough Genomics
Classification: Benign. Review status: criteria provided, single submitter. Criteria: ACMG Guidelines, 2015. Collection method: not provided. Allele origin: germline. Inheritance: Autosomal dominant inheritance. Affected: yes.